The following is an entry in ClinVar:

NM_001457.4(FLNB):c.4671+6T>G

Gene: FLNB (filamin B; plus strand). Cytogenetic location: 3p14.3.
Variant type: single nucleotide variant.
Coding change: c.4671+6T>G on transcript NM_001457.4 (MANE Select); 6 bases into the intron after coding-DNA position 4671, T replaced by G.
Molecular consequence: intron variant.
Genome position (GRCh38, 1-based): chr3:58,134,778, T>G. VCF-style: chr3-58134778-T-G. GRCh37 (hg19) VCF-style: chr3-58120505-T-G.
Other names: c.4764+6T>G (NM_001164317.2); c.4671+6T>G (NM_001164318.2, NM_001164319.2).
Identifiers: ClinVar variation 1482529 (VCV001482529.6), dbSNP rs2107220546, ClinGen allele CA2573137402.
Genomic context (GRCh38, chr3:58,134,778, plus strand): 5'-CTTTGCAATTGATGCCCGAGATGCCGGGGAAGGCCTGCTTGCTGTTCAAATAACGGTAAC[T>G]TGGAGTTATTTTCTGAGCCAAACCTTAATCCTAAGACTTAATTTCTGGGCCAGATTTAAG-3'

ClinVar aggregate classification (germline): Uncertain significance (1 of 4 stars; one submission).

Submission:

Labcorp Genetics (formerly Invitae), Labcorp
Classification: Uncertain significance. Last evaluated: 2021-04-14. Review status: criteria provided, single submitter. Criteria: Invitae Variant Classification Sherloc (09022015). Collection method: clinical testing. Allele origin: germline.
Comment: In summary, the available evidence is currently insufficient to determine the role of this variant in disease. Therefore, it has been classified as a Variant of Uncertain Significance. Nucleotide substitutions within the consensus splice site are a relatively common cause of aberrant splicing (PMID: 17576681, 9536098). Algorithms developed to predict the effect of sequence changes on RNA splicing suggest that this variant is not likely to affect RNA splicing, but this prediction has not been confirmed by published transcriptional studies. This variant has not been reported in the literature in individuals with FLNB-related conditions. This variant is not present in population databases (ExAC no frequency). This sequence change falls in intron 27 of the FLNB gene. It does not directly change the encoded amino acid sequence of the FLNB protein. It affects a nucleotide within the consensus splice site of the intron.

Literature cited by the submitters: PubMed 17576681; PubMed 9536098.